The following is an entry in ClinVar:

ClinVar aggregate classification (germline): Uncertain significance (1 of 4 stars; one submission).

Submission:

Labcorp Genetics (formerly Invitae), Labcorp
Classification: Uncertain significance. Last evaluated: 2022-10-24. Review status: criteria provided, single submitter. Criteria: Invitae Variant Classification Sherloc (09022015). Collection method: clinical testing. Allele origin: germline.
Comment: This sequence change replaces histidine, which is basic and polar, with arginine, which is basic and polar, at codon 491 of the ASNS protein (p.His491Arg). This variant is present in population databases (no rsID available, gnomAD 0.004%). This variant has not been reported in the literature in individuals affected with ASNS-related conditions. Advanced modeling of protein sequence and biophysical properties (such as structural, functional, and spatial information, amino acid conservation, physicochemical variation, residue mobility, and thermodynamic stability) performed at Invitae indicates that this missense variant is not expected to disrupt ASNS protein function. In summary, the available evidence is currently insufficient to determine the role of this variant in disease. Therefore, it has been classified as a Variant of Uncertain Significance.

NM_001673.5(ASNS):c.1472A>G (p.His491Arg)

Genes: ASNS (asparagine synthetase (glutamine-hydrolyzing); minus strand), CZ1P-ASNS (CZ1P-ASNS readthrough; minus strand). Cytogenetic location: 7q21.3.
Variant type: single nucleotide variant.
Coding change: c.1472A>G on transcript NM_001673.5 (MANE Select); coding-DNA position 1472, A replaced by G.
Protein change: p.His491Arg; replaces histidine 491 with arginine.
Molecular consequence: missense variant. On other transcripts: non-coding transcript variant (1).
Genome position (GRCh38, 1-based): chr7:97,853,064, T>C on the plus strand (A>G on the coding strand, the complement: ASNS is on the minus strand). VCF-style: chr7-97853064-T-C. GRCh37 (hg19) VCF-style: chr7-97482376-T-C.
Other names: c.1409A>G, p.His470Arg (NM_001178075.2); c.1223A>G, p.His408Arg (NM_001178076.2, NM_001178077.1); c.1472A>G, p.His491Arg (NM_001352496.2, NM_133436.3, NM_183356.4); short protein forms H408R, H470R, H491R.
Identifiers: ClinVar variation 1981685 (VCV001981685.1), dbSNP rs762882170, ClinGen allele CA368264425.